The following is an entry in ClinVar:

NM_001388367.1(NBPF9):c.1983C>T (p.Tyr661=)

Gene: NBPF9 (NBPF member 9; minus strand). Cytogenetic location: 1q21.2.
Variant type: single nucleotide variant.
Coding change: c.1983C>T on transcript NM_001388367.1 (MANE Select); coding-DNA position 1983, C replaced by T.
Protein change: p.Tyr661=; no amino-acid change (tyrosine 661 retained).
Molecular consequence: synonymous variant.
Genome position (GRCh38, 1-based): chr1:149,063,676, G>A on the plus strand (C>T on the coding strand, the complement: NBPF9 is on the minus strand). VCF-style: chr1-149063676-G-A. GRCh37 (hg19) VCF-style: chr1-144823942-C-T.
Other names: c.1983C>T, p.Tyr661= (NM_001388370.1, NM_001388372.1, NM_001388373.1 and 15 more transcripts); c.1872C>T, p.Tyr624= (NM_001388371.1).
Identifiers: ClinVar variation 2639064 (VCV002639064.24), dbSNP rs75211907, ClinGen allele CA889051607.

ClinVar aggregate classification (germline): Likely benign (1 of 4 stars; one submission).

Allele frequency attached by ClinVar (database versions not stated): gnomAD 0.00021; 1000 Genomes Project 30x 0.00109; ExAC 0.00129.

Submission:

CeGaT Center for Human Genetics Tuebingen
Classification: Likely benign. Last evaluated: 2022-11-01. Review status: criteria provided, single submitter. Criteria: CeGaT Center For Human Genetics Tuebingen Variant Classification Criteria Version 2. Collection method: clinical testing. Allele origin: germline. Affected: yes. Observed: 2 variant alleles.
Comment: NBPF9: BP4, BP7